The following is an entry in ClinVar:

NM_001025616.3(ARHGAP24):c.2087T>A (p.Met696Lys)

Gene: ARHGAP24 (Rho GTPase activating protein 24; plus strand). Cytogenetic location: 4q21.3.
Variant type: single nucleotide variant.
Coding change: c.2087T>A on transcript NM_001025616.3 (MANE Select); coding-DNA position 2087, T replaced by A.
Protein change: p.Met696Lys; replaces methionine 696 with lysine.
Molecular consequence: missense variant.
Genome position (GRCh38, 1-based): chr4:86,000,562, T>A. VCF-style: chr4-86000562-T-A. GRCh37 (hg19) VCF-style: chr4-86921715-T-A.
Other names: c.1802T>A, p.Met601Lys (NM_001042669.2); c.1832T>A, p.Met611Lys (NM_001287805.2); c.1508T>A, p.Met503Lys (NM_001346093.2); c.1808T>A, p.Met603Lys (NM_031305.3); short protein forms M603K, M696K, M503K, M601K, M611K.
Identifiers: ClinVar variation 3681275 (VCV003681275.2).

ClinVar aggregate classification (germline): Uncertain significance (1 of 4 stars; one submission).

gnomAD v4.1: 19 of 1,577,986 alleles (0.0012%); highest among the groups gnomAD compares: East Asian, 0.045%; no homozygotes.

Submission:

Labcorp Genetics (formerly Invitae), Labcorp
Classification: Uncertain significance. Last evaluated: 2025-01-21. Review status: criteria provided, single submitter. Criteria: Invitae Variant Classification Sherloc (09022015). Collection method: clinical testing. Allele origin: germline.
Comment: This sequence change replaces methionine, which is neutral and non-polar, with lysine, which is basic and polar, at codon 696 of the ARHGAP24 protein (p.Met696Lys). This variant is present in population databases (rs114392787, gnomAD 0.03%). This missense change has been observed in individual(s) with ARHGAP24-related conditions (PMID: 38765603). An algorithm developed to predict the effect of missense changes on protein structure and function (PolyPhen-2) suggests that this variant is likely to be disruptive. In summary, the available evidence is currently insufficient to determine the role of this variant in disease. Therefore, it has been classified as a Variant of Uncertain Significance.

Literature cited by the submitters: PubMed 38765603.